The following is an entry in ClinVar:

ClinVar aggregate classification (germline): Likely benign (0 of 4 stars; one submission).

Conditions:
PLXNA4-related disorder. Also called: PLXNA4-related condition.

Submission:

PreventionGenetics, part of Exact Sciences
Classification: Likely benign for PLXNA4-related condition. Last evaluated: 2023-06-23. Review status: no assertion criteria provided. Collection method: clinical testing. Allele origin: germline.
Comment: This variant is classified as likely benign based on ACMG/AMP sequence variant interpretation guidelines (Richards et al. 2015 PMID: 25741868, with internal and published modifications).

NM_020911.2(PLXNA4):c.1604+7A>G

Gene: PLXNA4 (plexin A4; minus strand). Cytogenetic location: 7q32.3.
Variant type: single nucleotide variant.
Coding change: c.1604+7A>G on transcript NM_020911.2 (MANE Select); 7 bases into the intron after coding-DNA position 1604, A replaced by G.
Molecular consequence: intron variant.
Genome position (GRCh38, 1-based): chr7:132,241,059, T>C on the plus strand (A>G on the coding strand, the complement: PLXNA4 is on the minus strand). VCF-style: chr7-132241059-T-C. GRCh37 (hg19) VCF-style: chr7-131925818-T-C.
Other names: c.1604+7A>G (NM_001393897.1).
Identifiers: ClinVar variation 3356691 (VCV003356691.1).